The following is an entry in ClinVar:

ClinVar aggregate classification (germline): Likely benign. Review status: criteria provided, multiple submitters, no conflicts (2 of 4 stars). 2 submissions from 2 submitters: Likely benign (2). Last evaluated 2025-10-01.

gnomAD v4.1: 27 of 1,595,658 alleles (0.0017%); highest among the groups gnomAD compares: Admixed American, 0.0087%; no homozygotes.

Submissions (2):

Labcorp Genetics (formerly Invitae), Labcorp
Classification: Likely benign. Last evaluated: 2025-10-01. Review status: criteria provided, single submitter. Criteria: Invitae Variant Classification Sherloc (09022015). Collection method: clinical testing. Allele origin: germline.

CeGaT Center for Human Genetics Tuebingen
Classification: Likely benign. Last evaluated: 2022-05-01. Review status: criteria provided, single submitter. Criteria: CeGaT Center For Human Genetics Tuebingen Variant Classification Criteria Version 2. Collection method: clinical testing. Allele origin: germline. Affected: yes. Observed: 1 variant allele.
Comment: SEPTIN9: BP4, BP7

NM_001113491.2(SEPTIN9):c.1317C>A (p.Ile439=)

Gene: SEPTIN9 (septin 9; plus strand). Cytogenetic location: 17q25.3.
Variant type: single nucleotide variant.
Coding change: c.1317C>A on transcript NM_001113491.2 (MANE Select); coding-DNA position 1317, C replaced by A.
Protein change: p.Ile439=; no amino-acid change (isoleucine 439 retained).
Molecular consequence: synonymous variant.
Genome position (GRCh38, 1-based): chr17:77,490,796, C>A. VCF-style: chr17-77490796-C-A. GRCh37 (hg19) VCF-style: chr17-75486878-C-A.
Other names: c.825C>A, p.Ile275= (NM_001113492.2, NM_001113494.1); c.1296C>A, p.Ile432= (NM_001113493.2); c.564C>A, p.Ile188= (NM_001113495.2, NM_001113496.2, NM_001293697.2 and 1 more transcripts); c.1260C>A, p.Ile420= (NM_001293695.2); c.645C>A, p.Ile215= (NM_001293696.2); c.1263C>A, p.Ile421= (NM_006640.5).
Identifiers: ClinVar variation 2445553 (VCV002445553.28), dbSNP rs779621770, ClinGen allele CA8793760.
Genomic context (GRCh38, chr17:77,490,796, plus strand): 5'-CTTCAGCCTCAGGCCCCTGGACATCGAGTTTATGAAACGCCTGAGCAAGGTGGTCAACAT[C>A]GTCCCTGTCATCGCCAAGGCGGACACACTCACCCTGGAGGAGAGGGTCCACTTCAAACAG-3'
Protein context (NP_001106963.1, residues 429-449): FMKRLSKVVN[Ile439=]VPVIAKADTL